The following is an entry in ClinVar:

NM_194454.3(KRIT1):c.215T>C (p.Val72Ala)

Gene: KRIT1 (KRIT1 ankyrin repeat containing; minus strand). Cytogenetic location: 7q21.2.
Variant type: single nucleotide variant.
Coding change: c.215T>C on transcript NM_194454.3 (MANE Select); coding-DNA position 215, T replaced by C.
Protein change: p.Val72Ala; replaces valine 72 with alanine.
Molecular consequence: missense variant. On other transcripts: 5 prime UTR variant (1).
Genome position (GRCh38, 1-based): chr7:92,241,040, A>G on the plus strand (T>C on the coding strand, the complement: KRIT1 is on the minus strand). VCF-style: chr7-92241040-A-G. GRCh37 (hg19) VCF-style: chr7-91870354-A-G.
Other names: c.215T>C, p.Val72Ala (NM_001013406.2, NM_001350669.1, NM_001350670.1 and 29 more transcripts); c.-369T>C (NM_001350671.1); short protein forms V72A.
Identifiers: ClinVar variation 1786886 (VCV001786886.2), dbSNP rs1440357472, ClinGen allele CA368165802.

ClinVar aggregate classification (germline): Uncertain significance (1 of 4 stars; one submission).

Conditions:
Inborn genetic diseases. Identifiers: MedGen C0950123, MeSH D030342.

Allele frequency attached by ClinVar (database versions not stated): gnomAD exomes below 0.00001; gnomAD 0.00001.
gnomAD v4.1: 5 of 1,612,586 alleles (0.00031%); highest among the groups gnomAD compares: Non-Finnish European, 0.00042%; no homozygotes.

Submission:

Ambry Genetics
Classification: Uncertain significance for Inborn genetic diseases. Last evaluated: 2022-08-24. Review status: criteria provided, single submitter. Criteria: Ambry Variant Classification Scheme 2023. Collection method: clinical testing. Allele origin: germline.
Comment: The p.V72A variant (also known as c.215T>C), located in coding exon 2 of the KRIT1 gene, results from a T to C substitution at nucleotide position 215. The valine at codon 72 is replaced by alanine, an amino acid with similar properties. This amino acid position is conserved. In addition, the in silico prediction for this alteration is inconclusive. Since supporting evidence is limited at this time, the clinical significance of this alteration remains unclear.